The following is an entry in ClinVar:

ClinVar aggregate classification (germline): Uncertain significance (1 of 4 stars; one submission).

Conditions:
Ullrich congenital muscular dystrophy 2 (UCMD2). Identifiers: Orphanet 75840, MedGen C4225314, MONDO:0014654, OMIM 616470.
Bethlem myopathy 2 (BTHLM2). Identifiers: Orphanet 536516, Orphanet 610, MedGen C4225313, MONDO:0034022, OMIM 616471.

Submission:

Labcorp Genetics (formerly Invitae), Labcorp
Classification: Uncertain significance for Bethlem myopathy 2; Ullrich congenital muscular dystrophy 2. Last evaluated: 2017-10-04. Review status: criteria provided, single submitter. Criteria: Invitae Variant Classification Sherloc (09022015). Collection method: clinical testing. Allele origin: germline.
Comment: This sequence change replaces glutamic acid with valine at codon 283 of the COL12A1 protein (p.Glu283Val). The glutamic acid residue is highly conserved and there is a moderate physicochemical difference between glutamic acid and valine. This variant is not present in population databases (ExAC no frequency). This variant has not been reported in the literature in individuals with COL12A1-related disease. Algorithms developed to predict the effect of missense changes on protein structure and function do not agree on the potential impact of this missense change (SIFT: "Deleterious"; PolyPhen-2: "Probably Damaging"; Align-GVGD: "Class C0"). In summary, the available evidence is currently insufficient to determine the role of this variant in disease. Therefore, it has been classified as a Variant of Uncertain Significance.

NM_004370.6(COL12A1):c.848A>T (p.Glu283Val)

Gene: COL12A1 (collagen type XII alpha 1 chain; minus strand). Cytogenetic location: 6q13.
Variant type: single nucleotide variant.
Coding change: c.848A>T on transcript NM_004370.6 (MANE Select); coding-DNA position 848, A replaced by T.
Protein change: p.Glu283Val; replaces glutamic acid 283 with valine.
Molecular consequence: missense variant. On other transcripts: intron variant (1).
Genome position (GRCh38, 1-based): chr6:75,188,511, T>A on the plus strand (A>T on the coding strand, the complement: COL12A1 is on the minus strand). VCF-style: chr6-75188511-T-A. GRCh37 (hg19) VCF-style: chr6-75898227-T-A.
Other names: c.73+14209A>T (NM_080645.3); short protein forms E283V.
Identifiers: ClinVar variation 542495 (VCV000542495.9), dbSNP rs1554188241, ClinGen allele CA364727709.
Genomic context (GRCh38, chr6:75,188,511, plus strand): 5'-TCAAAGTTGGCCACATTGAAAACATGGTTCAGTGAAGGTGTGGAGGCAATTTGTTTGAGT[T>A]CTTTTGCATCTGCAGCTTTAATGCCTTCAAAACAAAAGGATAAGGACATATTGAAATGGG-3'
Protein context (NP_004361.3, residues 273-293): SLGIKAADAK[Glu283Val]LKQIASTPSL